The following is an entry in ClinVar:

ClinVar aggregate classification (germline): Uncertain significance (1 of 4 stars; one submission).

Conditions:
Holoprosencephaly 5 (HPE5). Identifiers: Orphanet 2162, MedGen C1864827, MONDO:0012322, OMIM 609637.

Submission:

Labcorp Genetics (formerly Invitae), Labcorp
Classification: Uncertain significance for Holoprosencephaly 5. Last evaluated: 2025-11-27. Review status: criteria provided, single submitter. Criteria: Invitae Variant Classification Sherloc (09022015). Collection method: clinical testing. Allele origin: germline.
Comment: This variant, c.1406_1411del, results in the deletion of 2 amino acid(s) of the ZIC2 protein (p.Ala469_Ala470del), but otherwise preserves the integrity of the reading frame. The frequency data for this variant in the population databases is considered unreliable, as metrics indicate insufficient coverage at this position in the gnomAD database. This variant has not been reported in the literature in individuals affected with ZIC2-related conditions. ClinVar contains an entry for this variant (Variation ID: 2169542). Experimental studies and prediction algorithms are not available or were not evaluated, and the functional significance of this variant is currently unknown. In summary, the available evidence is currently insufficient to determine the role of this variant in disease. Therefore, it has been classified as a Variant of Uncertain Significance.

NM_007129.5(ZIC2):c.1406_1411del (p.Ala469_Ala470del)

Genes: ZIC2 (Zic family zinc finger 2; plus strand), LOC110008580 (Zic family member 2 polyalanine repeat instability region; plus strand). Cytogenetic location: 13q32.3.
Variant type: Deletion.
Coding change: c.1406_1411del on transcript NM_007129.5 (MANE Select); coding-DNA positions 1406 to 1411, 6 bases deleted (CCGCGG; older notation c.1406_1411delCCGCGG).
Protein change: p.Ala469_Ala470del.
Molecular consequence: inframe deletion.
Genome position (GRCh38, 1-based): chr13:99,985,489-99,985,494, CCGCGG deleted; deleting any 6 consecutive bases within chr13:99,985,485-99,985,494 gives the same sequence; the c. name uses the placement nearest the transcript's 3' end. VCF-style (leftmost placement, unchanged base first): chr13-99985484-GGCGGCC-G. GRCh37 (hg19) VCF-style: chr13-100637738-GGCGGCC-G.
Identifiers: ClinVar variation 2169542 (VCV002169542.4), dbSNP rs890622628, ClinGen allele CA703014027.